The following is an entry in ClinVar:

NM_000238.4(KCNH2):c.1922C>A (p.Ser641Tyr)

Gene: KCNH2 (potassium voltage-gated channel subfamily H member 2; minus strand). Cytogenetic location: 7q36.1.
Variant type: single nucleotide variant.
Coding change: c.1922C>A on transcript NM_000238.4 (MANE Select); coding-DNA position 1922, C replaced by A.
Protein change: p.Ser641Tyr; replaces serine 641 with tyrosine.
Molecular consequence: missense variant.
Genome position (GRCh38, 1-based): chr7:150,951,471, G>T on the plus strand (C>A on the coding strand, the complement: KCNH2 is on the minus strand). VCF-style: chr7-150951471-G-T. GRCh37 (hg19) VCF-style: chr7-150648559-G-T.
Other names: c.902C>A, p.Ser301Tyr (NM_001204798.2, NM_172057.3); c.1634C>A, p.Ser545Tyr (NM_001406753.1, NM_001406756.1); c.1745C>A, p.Ser582Tyr (NM_001406755.1); c.1622C>A, p.Ser541Tyr (NM_001406757.1); c.1922C>A, p.Ser641Tyr (NM_172056.3); short protein forms S301Y, S641Y, S545Y, S541Y, S582Y.
Identifiers: ClinVar variation 1424837 (VCV001424837.10), dbSNP rs199472971, ClinGen allele CA369857841.

ClinVar aggregate classification (germline): Pathogenic. Review status: criteria provided, multiple submitters, no conflicts (2 of 4 stars). 2 submissions from 2 submitters: Pathogenic (2). Last evaluated 2024-06-10.

Conditions:
Long QT syndrome (LQTS). Identifiers: MedGen C0023976, MeSH D008133, MONDO:0002442. Disease mechanism: loss of function. Inheritance: Various modes of inheritance.
Cardiovascular phenotype. Identifiers: MedGen CN230736.

Submissions (2):

Ambry Genetics
Classification: Pathogenic for Cardiovascular phenotype. Last evaluated: 2024-06-10. Review status: criteria provided, single submitter. Criteria: Ambry Variant Classification Scheme 2023. Collection method: clinical testing. Allele origin: germline.
Comment: The p.S641Y pathogenic mutation (also known as c.1922C>A), located in coding exon 7 of the KCNH2 gene, results from a C to A substitution at nucleotide position 1922. The serine at codon 641 is replaced by tyrosine, an amino acid with dissimilar properties. This variant has been detected in unrelated individuals with long QT syndrome, including a reported de novo occurrence (external communication). Based on internal analysis, this variant is predicted to be structurally disruptive (Bian JS et al. Cell Biochem Biophys, 2004;41:25-40; Asai T et al. Structure, 2021 Mar;29:203-212.e4; Ambry internal data). This amino acid position is highly conserved in available vertebrate species. In addition, this alteration is predicted to be deleterious by in silico analysis. This variant is considered to be rare based on population cohorts in the Genome Aggregation Database (gnomAD). Based on the supporting evidence, this variant is interpreted as a disease-causing mutation.

Labcorp Genetics (formerly Invitae), Labcorp
Classification: Pathogenic for Long QT syndrome. Last evaluated: 2023-04-24. Review status: criteria provided, single submitter. Criteria: Invitae Variant Classification Sherloc (09022015). Collection method: clinical testing. Allele origin: germline.
Comment: For these reasons, this variant has been classified as Pathogenic. This sequence change replaces serine, which is neutral and polar, with tyrosine, which is neutral and polar, at codon 641 of the KCNH2 protein (p.Ser641Tyr). This variant is not present in population databases (gnomAD no frequency). This missense change has been observed in individual(s) with KCNH2-related conditions (Invitae). In at least one individual the variant was observed to be de novo. ClinVar contains an entry for this variant (Variation ID: 1424837). An algorithm developed to predict the effect of missense changes on protein structure and function (PolyPhen-2) suggests that this variant is likely to be disruptive. This variant disrupts the p.Ser641 amino acid residue in KCNH2. Other variant(s) that disrupt this residue have been determined to be pathogenic (PMID: 18441445, 22949429, 25417810; Invitae). This suggests that this residue is clinically significant, and that variants that disrupt this residue are likely to be disease-causing.

Literature cited by the submitters: PubMed 15371638 (cited by Ambry Genetics); PubMed 33450182 (cited by Ambry Genetics); PubMed 18441445 (cited by Labcorp Genetics (formerly Invitae), Labcorp); PubMed 22949429 (cited by Labcorp Genetics (formerly Invitae), Labcorp); PubMed 25417810 (cited by Labcorp Genetics (formerly Invitae), Labcorp).